The following is an entry in ClinVar:

ClinVar aggregate classification (germline): Uncertain significance. Review status: criteria provided, multiple submitters, no conflicts (2 of 4 stars). 3 submissions from 3 submitters: Uncertain significance (3). Last evaluated 2025-02-18.

Conditions:
Metachromatic leukodystrophy (MLD). Also called: CEREBROSIDE SULFATASE DEFICIENCY; Arylsulfatase A Deficiency; METACHROMATIC LEUKOENCEPHALOPATHY; Cerebral sclerosis diffuse metachromatic form; SULFATIDE LIPIDOSIS; ARSA DEFICIENCY. Identifiers: Orphanet 512, MedGen C0023522, MONDO:0018868, OMIM 250100.

Allele frequency attached by ClinVar (database versions not stated): ExAC 0.00002; gnomAD exomes 0.00002; TOPMed 0.00002.
gnomAD v4.1: 30 of 1,612,480 alleles (0.0019%); highest among the groups gnomAD compares: South Asian, 0.0077%; no homozygotes.

Submissions (3):

Women's Health and Genetics/Laboratory Corporation of America, LabCorp
Classification: Uncertain significance. Last evaluated: 2025-02-18. Review status: criteria provided, single submitter. Criteria: LabCorp Variant Classification Summary - May 2015. Collection method: clinical testing. Allele origin: germline.

Labcorp Genetics (formerly Invitae), Labcorp
Classification: Uncertain significance for Metachromatic leukodystrophy. Last evaluated: 2024-10-16. Review status: criteria provided, single submitter. Criteria: Invitae Variant Classification Sherloc (09022015). Collection method: clinical testing. Allele origin: germline.
Comment: This sequence change affects codon 228 of the ARSA mRNA. It is a 'silent' change, meaning that it does not change the encoded amino acid sequence of the ARSA protein. It affects a nucleotide within the consensus splice site. This variant is present in population databases (rs762695598, gnomAD 0.01%). This variant has not been reported in the literature in individuals affected with ARSA-related conditions. ClinVar contains an entry for this variant (Variation ID: 1195894). Algorithms developed to predict the effect of sequence changes on RNA splicing suggest that this variant is not likely to affect RNA splicing. In summary, the available evidence is currently insufficient to determine the role of this variant in disease. Therefore, it has been classified as a Variant of Uncertain Significance.

Genome-Nilou Lab
Classification: Uncertain significance for Metachromatic leukodystrophy. Last evaluated: 2021-07-14. Review status: criteria provided, single submitter. Criteria: ACMG Guidelines, 2015. Collection method: clinical testing. Allele origin: germline. Affected: no.

NM_000487.6(ARSA):c.684C>T (p.His228=)

Gene: ARSA (arylsulfatase A; minus strand). Cytogenetic location: 22q13.33.
Variant type: single nucleotide variant.
Coding change: c.684C>T on transcript NM_000487.6 (MANE Select); coding-DNA position 684, C replaced by T.
Protein change: p.His228=; no amino-acid change (histidine 228 retained).
Molecular consequence: synonymous variant.
Genome position (GRCh38, 1-based): chr22:50,626,834, G>A on the plus strand (C>T on the coding strand, the complement: ARSA is on the minus strand). VCF-style: chr22-50626834-G-A. GRCh37 (hg19) VCF-style: chr22-51065262-G-A.
Other names: c.684C>T, p.His228= (NM_001085425.3, NM_001085426.3, NM_001085427.3); c.426C>T, p.His142= (NM_001085428.3, NM_001362782.2).
Identifiers: ClinVar variation 1195894 (VCV001195894.9), dbSNP rs762695598, ClinGen allele CA10324948.